The following is an entry in ClinVar:

ClinVar aggregate classification (germline): Benign/Likely benign. Review status: criteria provided, multiple submitters, no conflicts (2 of 4 stars). 7 submissions from 7 submitters: Benign (3); Likely benign (3). 1 of the submissions does not count toward it. Last evaluated 2025-09-23.

Conditions:
NIPBL-related disorder. Also called: NIPBL-related condition.
Inborn genetic diseases. Identifiers: MedGen C0950123, MeSH D030342.
Cornelia de Lange syndrome 1 (CDLS1). Also called: TYPUS DEGENERATIVUS AMSTELODAMENSIS; NIPBL-Related Cornelia de Lange Syndrome; Brachmann de Lange syndrome. Identifiers: Orphanet 199, MedGen C4551851, MONDO:0007387, OMIM 122470.

Allele frequency attached by ClinVar (database versions not stated): gnomAD exomes 0.00005 and 0.00016; ExAC 0.00023; 1000 Genomes Project 30x 0.00047; gnomAD 0.00052 and 0.00056; 1000 Genomes Project 0.00060; TOPMed 0.00068; ESP Exome Variant Server 0.00092.
gnomAD v4.1: 153 of 1,614,064 alleles (0.0095%); highest among the groups gnomAD compares: African/African-American, 0.17%; no homozygotes.

Submissions (7):

Labcorp Genetics (formerly Invitae), Labcorp
Classification: Benign for Cornelia de Lange syndrome 1. Last evaluated: 2025-09-23. Review status: criteria provided, single submitter. Criteria: Invitae Variant Classification Sherloc (09022015). Collection method: clinical testing. Allele origin: germline.

CeGaT Center for Human Genetics Tuebingen
Classification: Likely benign. Last evaluated: 2022-12-01. Review status: criteria provided, single submitter. Criteria: CeGaT Center For Human Genetics Tuebingen Variant Classification Criteria Version 2. Collection method: clinical testing. Allele origin: germline. Affected: yes. Observed: 1 variant allele.
Comment: NIPBL: BP4, BP7, BS1

Genome-Nilou Lab
Classification: Benign for Cornelia de Lange syndrome 1. Last evaluated: 2021-07-15. Review status: criteria provided, single submitter. Criteria: ACMG Guidelines, 2015. Collection method: clinical testing. Allele origin: germline. Affected: no.

Illumina Laboratory Services, Illumina
Classification: Benign for Cornelia de Lange syndrome 1. Last evaluated: 2018-01-13. Review status: criteria provided, single submitter. Criteria: ICSL Variant Classification Criteria 13 December 2019. Collection method: clinical testing. Allele origin: germline.
Comment: This variant was observed in the ICSL laboratory as part of a predisposition screen in an ostensibly healthy population. It had not been previously curated by ICSL or reported in the Human Gene Mutation Database (HGMD: prior to June 1st, 2018), and was therefore a candidate for classification through an automated scoring system. Utilizing variant allele frequency, disease prevalence and penetrance estimates, and inheritance mode, an automated score was calculated to assess if this variant is too frequent to cause the disease. Based on the score and internal cut-off values, a variant classified as benign is not then subjected to further curation. The score for this variant resulted in a classification of benign for this disease.

Ambry Genetics
Classification: Likely benign for Inborn genetic diseases. Last evaluated: 2017-03-21. Review status: criteria provided, single submitter. Criteria: Ambry Variant Classification Scheme 2023. Collection method: clinical testing. Allele origin: germline.

Genetic Services Laboratory, University of Chicago
Classification: Likely benign. Last evaluated: 2013-02-08. Review status: criteria provided, single submitter. Criteria: ACMG Guidelines, 2007. Collection method: clinical testing. Allele origin: germline. Inheritance: Autosomal dominant inheritance.

PreventionGenetics, part of Exact Sciences
Classification: Likely benign for NIPBL-related condition. Last evaluated: 2023-12-28. Review status: no assertion criteria provided. Collection method: clinical testing. Allele origin: germline. Not counted in ClinVar's aggregate classification.
Comment: This variant is classified as likely benign based on ACMG/AMP sequence variant interpretation guidelines (Richards et al. 2015 PMID: 25741868, with internal and published modifications).

NM_133433.4(NIPBL):c.534C>T (p.Tyr178=)

Gene: NIPBL (NIPBL cohesin loading factor; plus strand). Cytogenetic location: 5p13.2.
Variant type: single nucleotide variant.
Coding change: c.534C>T on transcript NM_133433.4 (MANE Select); coding-DNA position 534, C replaced by T.
Protein change: p.Tyr178=; no amino-acid change (tyrosine 178 retained).
Molecular consequence: synonymous variant.
Genome position (GRCh38, 1-based): chr5:36,962,198, C>T. VCF-style: chr5-36962198-C-T. GRCh37 (hg19) VCF-style: chr5-36962300-C-T.
Other names: c.534C>T, p.Tyr178= (NM_015384.5).
Identifiers: ClinVar variation 159146 (VCV000159146.44), dbSNP rs148542094, ClinGen allele CA172721.